The following is an entry in ClinVar:

ClinVar aggregate classification (germline): Uncertain significance (1 of 4 stars; one submission).

Conditions:
Arrhythmogenic cardiomyopathy with wooly hair and keratoderma. Also called: Carvajal syndrome; Arrhythmogenic cardiomyopathy with woolly hair and keratoderma; Dilated cardiomyopathy with woolly hair and keratoderma; PALMOPLANTAR KERATODERMA WITH LEFT VENTRICULAR CARDIOMYOPATHY AND WOOLLY HAIR. Identifiers: Orphanet 65282, MedGen C1854063, MONDO:0011581, OMIM 605676.
Arrhythmogenic right ventricular dysplasia 8 (ARVD8). Also called: ARRHYTHMOGENIC RIGHT VENTRICULAR DYSPLASIA, FAMILIAL, 8; Arrhythmogenic Right Ventricular Dysplasia/Cardiomyopathy 8; ARRHYTHMOGENIC RIGHT VENTRICULAR CARDIOMYOPATHY 8. Identifiers: MedGen C1843896, MONDO:0011831, OMIM 607450.

Submission:

Labcorp Genetics (formerly Invitae), Labcorp
Classification: Uncertain significance for Arrhythmogenic cardiomyopathy with wooly hair and keratoderma; Arrhythmogenic right ventricular dysplasia 8. Last evaluated: 2024-01-19. Review status: criteria provided, single submitter. Criteria: Invitae Variant Classification Sherloc (09022015). Collection method: clinical testing. Allele origin: germline.
Comment: This sequence change replaces leucine, which is neutral and non-polar, with methionine, which is neutral and non-polar, at codon 1062 of the DSP protein (p.Leu1062Met). This variant is not present in population databases (gnomAD no frequency). This variant has not been reported in the literature in individuals affected with DSP-related conditions. ClinVar contains an entry for this variant (Variation ID: 1474661). An algorithm developed to predict the effect of missense changes on protein structure and function (PolyPhen-2) suggests that this variant is likely to be disruptive. In summary, the available evidence is currently insufficient to determine the role of this variant in disease. Therefore, it has been classified as a Variant of Uncertain Significance.

NM_004415.4(DSP):c.3184C>A (p.Leu1062Met)

Gene: DSP (desmoplakin; plus strand). Cytogenetic location: 6p24.3.
Variant type: single nucleotide variant.
Coding change: c.3184C>A on transcript NM_004415.4 (MANE Select); coding-DNA position 3184, C replaced by A.
Protein change: p.Leu1062Met; replaces leucine 1062 with methionine.
Molecular consequence: missense variant.
Genome position (GRCh38, 1-based): chr6:7,579,374, C>A. VCF-style: chr6-7579374-C-A. GRCh37 (hg19) VCF-style: chr6-7579607-C-A.
Other names: c.3184C>A, p.Leu1062Met (NM_001008844.3, NM_001319034.2); short protein forms L1062M.
Identifiers: ClinVar variation 1474661 (VCV001474661.6), dbSNP rs2113691218, ClinGen allele CA362683242.
Genomic context (GRCh38, chr6:7,579,374, plus strand): 5'-AGACTGGCCCGAGATGCCAACTCGGAAAACTGTAATAAGAACAAATTCCTGGATCAGAAC[C>A]TGCAGAAATACCAGGCAGAGTGTTCCCAGTTCAAAGCGAAGCTTGCGAGCCTGGAGGAGC-3'
Protein context (NP_004406.2, residues 1052-1072): CNKNKFLDQN[Leu1062Met]QKYQAECSQF